The following is an entry in ClinVar:

NM_014989.7(RIMS1):c.1679-20587G>A

Gene: RIMS1 (regulating synaptic membrane exocytosis 1; plus strand). Cytogenetic location: 6q13.
Variant type: single nucleotide variant.
Coding change: c.1679-20587G>A on transcript NM_014989.7 (MANE Select); 20587 bases into the intron before coding-DNA position 1679, G replaced by A.
Molecular consequence: intron variant. On other transcripts: missense variant (40), 5 prime UTR variant (7).
Genome position (GRCh38, 1-based): chr6:72,213,186, G>A. VCF-style: chr6-72213186-G-A. GRCh37 (hg19) VCF-style: chr6-72922889-G-A.
Other names: c.64G>A, p.Glu22Lys (NM_001168407.2, NM_001168408.2, NM_001350414.2 and 37 more transcripts); c.-94G>A (NM_001350421.2, NM_001350424.2, NM_001350428.2 and 4 more transcripts); c.64G>A (NM_001168407.1); short protein forms E22K.
Identifiers: ClinVar variation 1049821 (VCV001049821.4), dbSNP rs181193740, ClinGen allele CA3885754.

ClinVar aggregate classification (germline): Likely benign. Review status: criteria provided, single submitter (1 of 4 stars). 3 submissions from 3 submitters: Likely benign (1). 2 of the submissions do not count toward it. Last evaluated 2023-12-27.

Conditions:
RIMS1-related disorder. Also called: RIMS1-related condition.

Allele frequency attached by ClinVar (database versions not stated): ExAC 0.00040; 1000 Genomes Project 0.00100; 1000 Genomes Project 30x 0.00109; ESP Exome Variant Server 0.00110.
gnomAD v4.1: 347 of 1,536,608 alleles (0.023%); highest among the groups gnomAD compares: African/African-American, 0.38%; no homozygotes.

Submissions (3):

Blueprint Genetics
Classification: Likely benign. Last evaluated: 2023-12-27. Review status: criteria provided, single submitter. Criteria: ACMG Guidelines, 2015. Collection method: clinical testing. Allele origin: germline.

PreventionGenetics, part of Exact Sciences
Classification: Likely benign for RIMS1-related condition. Last evaluated: 2019-11-06. Review status: no assertion criteria provided. Collection method: clinical testing. Allele origin: germline. Not counted in ClinVar's aggregate classification.
Comment: This variant is classified as likely benign based on ACMG/AMP sequence variant interpretation guidelines (Richards et al. 2015 PMID: 25741868, with internal and published modifications).

Department of Pathology and Laboratory Medicine, Sinai Health System
Classification: Uncertain significance. Review status: no assertion criteria provided. Collection method: clinical testing. Allele origin: unknown. Affected: yes. Study: The Canadian Open Genetics Repository (COGR). Not counted in ClinVar's aggregate classification.
Comment: The RIMS1 p.Glu22Lys variant was not identified in the literature or in the ClinVar, Cosmic, or LOVD 3.0 databases. The variant was identified in dbSNP (ID: rs181193740) and in control databases in 74 of 170214 chromosomes at a frequency of 0.000435 (Genome Aggregation Database Feb 27, 2017). The variant was observed in the following populations: African in 57 of 16300 chromosomes (freq: 0.003497), Latino in 15 of 25190 chromosomes (freq: 0.000596), European (non-Finnish) in 1 of 71104 chromosomes (freq: 0.000014), and Other in 1 of 5268 chromosomes (freq: 0.00019); it was not observed in the Ashkenazi Jewish, East Asian, European (Finnish), and South Asian populations. The p.Glu22 residue is conserved in mammals but not in more distantly related organisms and 4 of 5 computational analyses (PolyPhen-2, SIFT, AlignGVGD, BLOSUM) do not suggest a high likelihood of impact to the protein; this information is not predictive enough to rule out pathogenicity. The variant occurs outside of the splicing consensus sequence and in silico or computational prediction software programs (SpliceSiteFinder, MaxEntScan, NNSPLICE, GeneSplicer) do not predict a difference in splicing. In summary, based on the above information the clinical significance of this variant cannot be determined with certainty at this time. This variant is classified as a variant of uncertain significance.